The following is an entry in ClinVar:

NM_001375524.1(TRRAP):c.6434T>C (p.Met2145Thr)

Gene: TRRAP (transformation/transcription domain associated protein; plus strand). Cytogenetic location: 7q22.1.
Variant type: single nucleotide variant.
Coding change: c.6434T>C on transcript NM_001375524.1 (MANE Select); coding-DNA position 6434, T replaced by C.
Protein change: p.Met2145Thr; replaces methionine 2145 with threonine.
Molecular consequence: missense variant.
Genome position (GRCh38, 1-based): chr7:98,959,435, T>C. VCF-style: chr7-98959435-T-C. GRCh37 (hg19) VCF-style: chr7-98557058-T-C.
Other names: c.6359T>C, p.Met2120Thr (NM_003496.4); c.6413T>C, p.Met2138Thr (NM_001244580.2); short protein forms M2120T, M2138T, M2145T.
Identifiers: ClinVar variation 4865997 (VCV004865997.1).
Genomic context (GRCh38, chr7:98,959,435, plus strand): 5'-CTGGGGAGGTGCTCTCTCGCCGGTGTGTGAACCTTCTGAAGACTGCGTTGCGGCCAGACA[T>C]GTGGCCCAAGTCCGAACTCAAGCTGCAGTGGTTCGACAAGCTGCTGATGACTGTGGTGAG-3'
Protein context (NP_001362453.1, residues 2135-2155): NLLKTALRPD[Met2145Thr]WPKSELKLQW

ClinVar aggregate classification (germline): Uncertain significance (1 of 4 stars; one submission).

Conditions:
Inborn genetic diseases. Identifiers: MedGen C0950123, MeSH D030342.

gnomAD v4.1: 2 of 1,613,866 alleles (0.00012%); highest among the groups gnomAD compares: Non-Finnish European, 0.00017%; no homozygotes.

Submission:

Ambry Genetics
Classification: Uncertain significance for Inborn genetic diseases. Last evaluated: 2026-03-26. Review status: criteria provided, single submitter. Criteria: Ambry Variant Classification Scheme 2023. Collection method: clinical testing. Allele origin: germline.
Comment: The c.6413T>C (p.M2138T) alteration is located in exon 44 (coding exon 43) of the TRRAP gene. This alteration results from a T to C substitution at nucleotide position 6413, causing the methionine (M) at amino acid position 2138 to be replaced by a threonine (T). Based on data from gnomAD, the C allele has an overall frequency of <0.001% (1/251418) total alleles studied. The highest observed frequency was 0.001% (1/113710) of European (non-Finnish) alleles. Based on insufficient or conflicting evidence, the clinical significance of this alteration remains unclear.